The following is an entry in ClinVar:

NM_175914.5(HNF4A):c.*1395C>T

Gene: HNF4A (hepatocyte nuclear factor 4 alpha; plus strand). Cytogenetic location: 20q13.12.
Variant type: single nucleotide variant.
Coding change: c.*1395C>T on transcript NM_175914.5 (MANE Select); 1395 bases downstream of the stop codon, C replaced by T.
Molecular consequence: 3 prime UTR variant.
Genome position (GRCh38, 1-based): chr20:44,431,060, C>T. VCF-style: chr20-44431060-C-T. GRCh37 (hg19) VCF-style: chr20-43059700-C-T.
Other names: c.*1395C>T (NM_000457.6, NM_001030003.3, NM_001258355.2 and 3 more transcripts).
Identifiers: ClinVar variation 897283 (VCV000897283.5), dbSNP rs568456380, ClinGen allele CA315421871.

ClinVar aggregate classification (germline): Conflicting classifications of pathogenicity. Review status: criteria provided, conflicting classifications (1 of 4 stars). 3 submissions from 2 submitters: Uncertain significance (1); Benign (1); Likely benign (1). Last evaluated 2018-01-13.

Conditions:
Maturity-onset diabetes of the young type 1. Also called: MODY type 1; Diabetes mellitus MODY type 1; MODY HNF4A related; MILD JUVENILE DIABETES MELLITUS; HNF4A-Related Maturity-Onset Diabetes of the Young Type 1; MODY, type I. Identifiers: Orphanet 552, MedGen C1852093, MONDO:0007452, OMIM 125850. Disease mechanism: loss of function.
Maturity-onset diabetes of the young (MODY). Also called: Maturity onset diabetes mellitus in young. Identifiers: Orphanet 552, MedGen C0342276, MONDO:0018911, HP:0004904.
Familial hyperinsulinism. Also called: Congenital hyperinsulinism. Identifiers: Orphanet 276525, MedGen C3888018, MONDO:0017182. Disease mechanism: loss of function.

Allele frequency attached by ClinVar (database versions not stated): gnomAD 0.00026 and 0.00042; TOPMed 0.00033; 1000 Genomes Project 0.00120; 1000 Genomes Project 30x 0.00125.

Submissions (3):

Illumina Laboratory Services, Illumina
Classification: Likely benign for Maturity-onset diabetes of the young type 1. Last evaluated: 2018-01-13. Review status: criteria provided, single submitter. Criteria: ICSL Variant Classification Criteria 13 December 2019. Collection method: clinical testing. Allele origin: germline.
Comment: This variant was observed in the ICSL laboratory as part of a predisposition screen in an ostensibly healthy population. It had not been previously curated by ICSL or reported in the Human Gene Mutation Database (HGMD: prior to June 1st, 2018), and was therefore a candidate for classification through an automated scoring system. Utilizing variant allele frequency, disease prevalence and penetrance estimates, and inheritance mode, an automated score was calculated to assess if this variant is too frequent to cause the disease. Based on the score and internal cut-off values, a variant classified as likely benign is not then subjected to further curation. The score for this variant resulted in a classification of likely benign for this disease.

Illumina Laboratory Services, Illumina
Classification: Uncertain significance for Familial hyperinsulinism. Last evaluated: 2018-01-13. Review status: criteria provided, single submitter. Criteria: ICSL Variant Classification Criteria 13 December 2019. Collection method: clinical testing. Allele origin: germline.

Clinical Genomics, Uppaluri K&H Personalized Medicine Clinic
Classification: Benign for Maturity-onset diabetes of the young. Review status: criteria provided, single submitter. Criteria: K & H Uppaluri Personalized Medicine Clinic Variant Classification & Assertion Criteria_Updated V.1. Collection method: research. Allele origin: unknown. Inheritance: Autosomal dominant inheritance.
Comment: Potent mutations in HNF4A are associated with poor insulin secretion in response to hyperglycemia. Associated with MODY1. Patients initially respond well to sulfonylureas but eventually become insulin dependent. However, more evidence is required to ascertain the role of this particular variant rs568456380 in MODY, yet.

Literature cited by the submitters: DOI 10.1159/000334532 (cited by Clinical Genomics, Uppaluri K&H Personalized Medicine Clinic); PubMed 18268044 (cited by Clinical Genomics, Uppaluri K&H Personalized Medicine Clinic); PubMed 17563455 (cited by Clinical Genomics, Uppaluri K&H Personalized Medicine Clinic); PubMed 32583173 (cited by Clinical Genomics, Uppaluri K&H Personalized Medicine Clinic); PubMed 35052457 (cited by Clinical Genomics, Uppaluri K&H Personalized Medicine Clinic); PubMed 35118593 (cited by Clinical Genomics, Uppaluri K&H Personalized Medicine Clinic).